The following is an entry in ClinVar:

ClinVar aggregate classification (germline): Uncertain significance (1 of 4 stars; one submission).

Conditions:
GLI2-related disorder. Also called: GLI2-related condition; GLI2-related disorders.

gnomAD v4.1: 1 of 1,613,104 alleles (0.000062%); highest among the groups gnomAD compares: Non-Finnish European, 0.000085%; no homozygotes.

Submission:

PreventionGenetics, part of Exact Sciences
Classification: Uncertain significance for GLI2-related condition. Last evaluated: 2026-04-24. Review status: criteria provided, single submitter. Criteria: ACMG Guidelines, 2015. Collection method: clinical testing. Allele origin: germline.
Comment: The GLI2 c.3550C>T variant is predicted to result in the amino acid substitution p.Pro1184Ser. To our knowledge, this variant has not been reported in the literature or in a large population database (gnomAD), indicating this variant is rare. At this time, the clinical significance of this variant is uncertain due to the absence of conclusive functional and genetic evidence.

NM_001374353.1(GLI2):c.3499C>T (p.Pro1167Ser)

Gene: GLI2 (GLI family zinc finger 2; plus strand). Cytogenetic location: 2q14.2.
Variant type: single nucleotide variant.
Coding change: c.3499C>T on transcript NM_001374353.1 (MANE Select); coding-DNA position 3499, C replaced by T.
Protein change: p.Pro1167Ser; replaces proline 1167 with serine.
Molecular consequence: missense variant.
Genome position (GRCh38, 1-based): chr2:120,989,464, C>T. VCF-style: chr2-120989464-C-T. GRCh37 (hg19) VCF-style: chr2-121747040-C-T.
Other names: c.3550C>T, p.Pro1184Ser (NM_001371271.1, NM_005270.5); c.3124C>T, p.Pro1042Ser (NM_001374354.1); short protein forms P1042S, P1184S, P1167S.
Identifiers: ClinVar variation 4992240 (VCV004992240.1).